The following is an entry in ClinVar:

ClinVar aggregate classification (germline): Uncertain significance (1 of 4 stars; one submission).

Conditions:
Inborn genetic diseases. Identifiers: MedGen C0950123, MeSH D030342.

Submission:

Ambry Genetics
Classification: Uncertain significance for Inborn genetic diseases. Last evaluated: 2025-12-07. Review status: criteria provided, single submitter. Criteria: Ambry Variant Classification Scheme 2023. Collection method: clinical testing. Allele origin: germline.
Comment: The p.D46N variant (also known as c.136G>A), located in coding exon 2 of the SBDS gene, results from a G to A substitution at nucleotide position 136. The aspartic acid at codon 46 is replaced by asparagine, an amino acid with highly similar properties. This amino acid position is conserved. In addition, the in silico prediction for this alteration is inconclusive. Based on the available evidence, the clinical significance of this variant remains unclear.

NM_016038.4(SBDS):c.136G>A (p.Asp46Asn)

Gene: SBDS (SBDS ribosome maturation factor; minus strand). Cytogenetic location: 7q11.21.
Variant type: single nucleotide variant.
Coding change: c.136G>A on transcript NM_016038.4 (MANE Select); coding-DNA position 136, G replaced by A.
Protein change: p.Asp46Asn; replaces aspartic acid 46 with asparagine.
Molecular consequence: missense variant.
Genome position (GRCh38, 1-based): chr7:66,994,334, C>T on the plus strand (G>A on the coding strand, the complement: SBDS is on the minus strand). VCF-style: chr7-66994334-C-T. GRCh37 (hg19) VCF-style: chr7-66459321-C-T.
Other names: short protein forms D46N.
Identifiers: ClinVar variation 4630248 (VCV004630248.1).